The following is an entry in ClinVar:

NM_014874.4(MFN2):c.384C>G (p.His128Gln)

Gene: MFN2 (mitofusin 2; plus strand). Cytogenetic location: 1p36.22.
Variant type: single nucleotide variant.
Coding change: c.384C>G on transcript NM_014874.4 (MANE Select); coding-DNA position 384, C replaced by G.
Protein change: p.His128Gln; replaces histidine 128 with glutamine.
Molecular consequence: missense variant.
Genome position (GRCh38, 1-based): chr1:11,996,228, C>G. VCF-style: chr1-11996228-C-G. GRCh37 (hg19) VCF-style: chr1-12056285-C-G.
Other names: c.384C>G, p.His128Gln (NM_001127660.2); short protein forms H128Q.
Identifiers: ClinVar variation 644923 (VCV000644923.1), dbSNP rs770767909, ClinGen allele CA338434527.

ClinVar aggregate classification (germline): Uncertain significance (1 of 4 stars; one submission).

Conditions:
Charcot-Marie-Tooth disease type 2. Also called: Charcot-Marie-Tooth type 2. Identifiers: Orphanet 64746, MedGen C0270914, MONDO:0018993.

Submission:

Labcorp Genetics (formerly Invitae), Labcorp
Classification: Uncertain significance for Charcot-Marie-Tooth disease type 2. Last evaluated: 2018-08-20. Review status: criteria provided, single submitter. Criteria: Invitae Variant Classification Sherloc (09022015). Collection method: clinical testing. Allele origin: germline.
Comment: This sequence change replaces histidine with glutamine at codon 128 of the MFN2 protein (p.His128Gln). The histidine residue is highly conserved and there is a small physicochemical difference between histidine and glutamine. This variant is not present in population databases (ExAC no frequency). This variant has not been reported in the literature in individuals with MFN2-related disease. Algorithms developed to predict the effect of missense changes on protein structure and function are either unavailable or do not agree on the potential impact of this missense change (SIFT: "Deleterious"; PolyPhen-2: "Possibly Damaging"; Align-GVGD: "Class C15"). Algorithms developed to predict the effect of sequence changes on RNA splicing suggest that this variant may create or strengthen a splice site, but this prediction has not been confirmed by published transcriptional studies. The observation of one or more missense substitutions at this codon (p.His128ArgÂ¬â€ andÂ¬â€ p.His128Tyr) in affected individuals suggests that this may be a clinically significant residue (PMID: 20008656,Â¬â€ 28660751). In summary, the available evidence is currently insufficient to determine the role of this variant in disease. Therefore, it has been classified as a Variant of Uncertain Significance.

Literature cited by the submitters: PubMed 20008656.